The following is an entry in ClinVar:

ClinVar aggregate classification (germline): Likely pathogenic (1 of 4 stars; one submission).

Conditions:
Polyhydramnios, megalencephaly, and symptomatic epilepsy (PMSE). Also called: PMSE SYNDROME. Identifiers: Orphanet 500533, MedGen C1970203, MONDO:0012611, OMIM 611087.

Submission:

Labcorp Genetics (formerly Invitae), Labcorp
Classification: Likely pathogenic for Polyhydramnios, megalencephaly, and symptomatic epilepsy. Last evaluated: 2022-08-19. Review status: criteria provided, single submitter. Criteria: Invitae Variant Classification Sherloc (09022015). Collection method: clinical testing. Allele origin: germline.
Comment: In summary, the currently available evidence indicates that the variant is pathogenic, but additional data are needed to prove that conclusively. Therefore, this variant has been classified as Likely Pathogenic. Algorithms developed to predict the effect of sequence changes on RNA splicing suggest that this variant may disrupt the consensus splice site. This variant has not been reported in the literature in individuals affected with STRADA-related conditions. This variant is not present in population databases (gnomAD no frequency). This sequence change affects an acceptor splice site in intron 7 of the STRADA gene. It is expected to disrupt RNA splicing. Variants that disrupt the donor or acceptor splice site typically lead to a loss of protein function (PMID: 16199547), and loss-of-function variants in STRADA are known to be pathogenic (PMID: 17522105, 27170158).

Literature cited by the submitters: PubMed 16199547; PubMed 17522105; PubMed 27170158.

NM_001003787.4(STRADA):c.458-1G>A

Genes: STRADA (STE20 related adaptor alpha; minus strand), LOC125312417 (Sharpr-MPRA regulatory region 9817; plus strand). Cytogenetic location: 17q23.3.
Variant type: single nucleotide variant.
Coding change: c.458-1G>A on transcript NM_001003787.4 (MANE Select); the canonical splice acceptor site of the intron before coding-DNA position 458, G replaced by A.
Molecular consequence: splice acceptor variant.
Genome position (GRCh38, 1-based): chr17:63,710,615, C>T on the plus strand (G>A on the coding strand, the complement: STRADA is on the minus strand). VCF-style: chr17-63710615-C-T. GRCh37 (hg19) VCF-style: chr17-61787975-C-T.
Other names: c.347-1G>A (NM_001363789.1, NM_001003786.3, NM_153335.6); c.284-1G>A (NM_001363790.1, NM_001363791.1, NM_001003788.3); c.434-1G>A (NM_001363786.1); c.371-1G>A (NM_001165969.2, NM_001363787.1, NM_001411084.1); c.326-1G>A (NM_001165970.2); c.458-1G>A (NM_001411085.1, NM_001363788.1, NM_001411083.1).
Identifiers: ClinVar variation 2024937 (VCV002024937.4), dbSNP rs2511101927, ClinGen allele CA400592769.